The following is an entry in ClinVar:

NM_024642.5(GALNT12):c.837C>T (p.Phe279=)

Gene: GALNT12 (polypeptide N-acetylgalactosaminyltransferase 12; plus strand). Cytogenetic location: 9q22.33.
Variant type: single nucleotide variant.
Coding change: c.837C>T on transcript NM_024642.5 (MANE Select); coding-DNA position 837, C replaced by T.
Protein change: p.Phe279=; no amino-acid change (phenylalanine 279 retained).
Molecular consequence: synonymous variant.
Genome position (GRCh38, 1-based): chr9:98,831,877, C>T. VCF-style: chr9-98831877-C-T. GRCh37 (hg19) VCF-style: chr9-101594159-C-T.
Identifiers: ClinVar variation 822357 (VCV000822357.15), dbSNP rs754951224, ClinGen allele CA5154071.

ClinVar aggregate classification (germline): Benign/Likely benign. Review status: criteria provided, multiple submitters, no conflicts (2 of 4 stars). 4 submissions from 4 submitters: Benign (2); Likely benign (2). Last evaluated 2026-04-24.

Conditions:
Colorectal cancer, susceptibility to, 1. Also called: COLORECTAL ADENOMA AND CANCER, SUSCEPTIBILITY TO; COLORECTAL CANCER, SUSCEPTIBILITY TO, ON CHROMOSOME 9. Identifiers: MedGen C1837315, MONDO:0012132, OMIM 608812.

Allele frequency attached by ClinVar (database versions not stated): TOPMed 0.00002; gnomAD 0.00001 and 0.00002.
gnomAD v4.1: 58 of 1,613,982 alleles (0.0036%); highest among the groups gnomAD compares: Admixed American, 0.012%; no homozygotes.

Submissions (4):

Myriad Genetics, Inc.
Classification: Benign for Colorectal cancer, susceptibility to, 1. Last evaluated: 2026-04-24. Review status: criteria provided, single submitter. Criteria: Myriad Autosomal Dominant, Autosomal Recessive and X-Linked Classification Criteria (2023). Collection method: clinical testing. Allele origin: unknown.
Comment: This variant is considered benign. This variant is a silent/synonymous amino acid change and it is not expected to impact splicing.

Labcorp Genetics (formerly Invitae), Labcorp
Classification: Likely benign. Last evaluated: 2025-06-16. Review status: criteria provided, single submitter. Criteria: Invitae Variant Classification Sherloc (09022015). Collection method: clinical testing. Allele origin: germline.

Quest Diagnostics Nichols Institute San Juan Capistrano
Classification: Benign. Last evaluated: 2023-04-11. Review status: criteria provided, single submitter. Criteria: Quest Diagnostics criteria. Collection method: clinical testing. Allele origin: unknown.

Ambry Genetics
Classification: Likely benign. Last evaluated: 2019-11-01. Review status: criteria provided, single submitter. Criteria: Ambry Variant Classification Scheme 2023. Collection method: clinical testing. Allele origin: germline.